The following is an entry in ClinVar:

NM_000492.4(CFTR):c.3285A>T (p.Thr1095=)

Genes: CFTR (CF transmembrane conductance regulator; plus strand), CFTR-AS2 (CFTR antisense RNA 2; minus strand), LOC111674472 (DNase I hypersensitive sites in introns 16 and 17a of CFTR; plus strand). Cytogenetic location: 7q31.2.
Variant type: single nucleotide variant.
Coding change: c.3285A>T on transcript NM_000492.4 (MANE Select); coding-DNA position 3285, A replaced by T.
Protein change: p.Thr1095=; no amino-acid change (threonine 1095 retained).
Molecular consequence: synonymous variant.
Genome position (GRCh38, 1-based): chr7:117,611,726, A>T. VCF-style: chr7-117611726-A-T. GRCh37 (hg19) VCF-style: chr7-117251780-A-T.
Other names: 3417A/T; p.Thr1095=.
Identifiers: ClinVar variation 195464 (VCV000195464.100), dbSNP rs1800118, ClinGen allele CA241893.
Genomic context (GRCh38, chr7:117,611,726, plus strand): 5'-AACTCTGTTCCACAAAGCTCTGAATTTACATACTGCCAACTGGTTCTTGTACCTGTCAAC[A>T]CTGCGCTGGTTCCAAATGAGAATAGAAATGATTTTTGTCATCTTCTTCATTGCTGTTACC-3'
Protein context (NP_000483.3, residues 1085-1105): HTANWFLYLS[Thr1095=]LRWFQMRIEM

ClinVar aggregate classification (germline): Conflicting classifications of pathogenicity. Review status: criteria provided, conflicting classifications (1 of 4 stars). 23 submissions from 22 submitters: Uncertain significance (1); Benign (7); Likely benign (9). 6 of the submissions do not count toward it. Last evaluated 2026-08-01.

Conditions:
CFTR-related disorder (CFTR-RD). Also called: CFTR-related condition; CFTR-related disorders. Identifiers: MedGen C5924204, MONDO:7770004.
Hereditary pancreatitis (PCTT). Also called: Hereditary chronic pancreatitis; PRSS1-Related Hereditary Pancreatitis. Identifiers: Orphanet 676, MedGen C0238339, MONDO:0008185, OMIM 167800.
Cystic fibrosis (CF). Also called: MUCOVISCIDOSIS. Identifiers: Orphanet 586, MedGen C0010674, MONDO:0009061, OMIM 219700. Disease mechanism: loss of function.

Allele frequency attached by ClinVar (database versions not stated): 1000 Genomes Project 0.00140; 1000 Genomes Project 30x 0.00141; gnomAD exomes 0.00455; ExAC 0.00474; gnomAD 0.00496 and 0.00570; ESP Exome Variant Server 0.00515; TOPMed 0.00530.
gnomAD v4.1: 11,613 of 1,613,524 alleles (0.72%); highest among the groups gnomAD compares: Non-Finnish European, 0.9%; 41 homozygotes.

Submissions (23):

CeGaT Center for Human Genetics Tuebingen
Classification: Likely benign. Last evaluated: 2026-08-01. Review status: criteria provided, single submitter. Criteria: CeGaT Center For Human Genetics Tuebingen Variant Classification Criteria Version 2. Collection method: clinical testing. Allele origin: germline. Affected: yes. Observed: 25 variant alleles.
Comment: CFTR: BP4, BP7, BS2

Labcorp Genetics (formerly Invitae), Labcorp
Classification: Benign for Cystic fibrosis. Last evaluated: 2026-02-04. Review status: criteria provided, single submitter. Criteria: Invitae Variant Classification Sherloc (09022015). Collection method: clinical testing. Allele origin: germline.

Mayo Clinic Laboratories, Mayo Clinic
Classification: Likely benign. Last evaluated: 2025-09-30. Review status: criteria provided, single submitter. Criteria: ACMG Guidelines, 2015. Collection method: clinical testing. Allele origin: germline. Observed: 63 variant alleles.
Comment: BS2, BP4, BP7

ARUP Laboratories, Molecular Genetics and Genomics, ARUP Laboratories
Classification: Benign. Last evaluated: 2025-07-22. Review status: criteria provided, single submitter. Criteria: ARUP Molecular Germline Variant Investigation Process 2024. Collection method: clinical testing. Allele origin: germline.

Quest Diagnostics Nichols Institute San Juan Capistrano
Classification: Benign. Last evaluated: 2025-04-12. Review status: criteria provided, single submitter. Criteria: Quest Diagnostics criteria. Collection method: clinical testing. Allele origin: unknown.

Blueprint Genetics
Classification: Likely benign. Last evaluated: 2024-11-26. Review status: criteria provided, single submitter. Criteria: ACMG Guidelines, 2015. Collection method: clinical testing. Allele origin: germline.

Institute of Human Genetics, University of Leipzig Medical Center
Classification: Likely benign for Cystic fibrosis. Last evaluated: 2022-09-05. Review status: criteria provided, single submitter. Criteria: ACMG Guidelines, 2015. Collection method: curation. Allele origin: unknown. Affected: yes. Observed: 1 variant allele.
Comment: The variant was classified in the context of a project re-classifying variants in the German Cystic Fibrosis Registry (Muko.e.V.). Criteria applied: BS2, BP4, BP7

Genome-Nilou Lab
Classification: Likely benign for Cystic fibrosis. Last evaluated: 2021-05-18. Review status: criteria provided, single submitter. Criteria: ACMG Guidelines, 2015. Collection method: clinical testing. Allele origin: germline. Affected: no.

Sema4
Classification: Likely benign for Hereditary pancreatitis. Last evaluated: 2021-04-13. Review status: criteria provided, single submitter. Criteria: Sema4 Curation Guidelines. Collection method: curation. Allele origin: germline.

GeneDx
Classification: Likely benign. Last evaluated: 2020-09-21. Review status: criteria provided, single submitter. Criteria: GeneDx Variant Classification Process June 2021. Collection method: clinical testing. Allele origin: germline. Affected: yes.
Comment: This variant is associated with the following publications: (PMID: 16251901, 23378595, 7515303, 15536480, 7525450, 16128988, 11354633, 11788091, 10601093)

Genome Diagnostics Laboratory, The Hospital for Sick Children
Classification: Likely benign for Cystic fibrosis. Last evaluated: 2020-03-05. Review status: criteria provided, single submitter. Criteria: ACMG Guidelines, 2015. Collection method: clinical testing. Allele origin: germline.

Johns Hopkins Genomics, Johns Hopkins University
Classification: Benign for Cystic fibrosis. Last evaluated: 2019-08-17. Review status: criteria provided, single submitter. Criteria: ACMG Guidelines, 2015. Collection method: clinical testing. Allele origin: germline.

Illumina Laboratory Services, Illumina
Classification: Uncertain significance for CFTR-Related Disorders. Last evaluated: 2018-01-13. Review status: criteria provided, single submitter. Criteria: ICSL Variant Classification Criteria 13 December 2019. Collection method: clinical testing. Allele origin: germline.

Women's Health and Genetics/Laboratory Corporation of America, LabCorp
Classification: Benign. Last evaluated: 2017-05-04. Review status: criteria provided, single submitter. Criteria: LabCorp Variant Classification Summary - May 2015. Collection method: clinical testing. Allele origin: germline.
Comment: Variant summary: This silent variant CFTR c.3285A>T (p.Thr1095Thr), alternatively known as 3417A>T, is located at a non-conserved position in exon 20 of CFTR and it is 82 nucleotides upstream to the nearest exon-intron junction. The variant is not predicted to impact splicing by 5/5 splice prediction tools. ESEfinder predicts the loss of a SC35 binding motif and Mutation Taster predicts as disease-causing. However, predictions from in silico tools are not definitive. There are no experimental in vitro or in vivo functional studies reported for the variant at this time. It has been observed in patients with infertility (non-obstructive infertility, oligoasthenoteratozoospermia and oligoasthenoteratozoospermia), pancreatitis, sarcoidosis, bronchiectasis and COPD. While CFTR mutations may represent a risk factor for these phenotypes, there is a lack of conclusive evidence. Multiple studies have reported this variant to occur in controls and patients at similar frequencies, suggesting that this variant is unlikely to be a risk allele. There are two reports in which this variant was found with CFin 1 German family and in 1 patient referred to CF testing. However, in both studies, cosegregation and/or co-occurrence information is not provided and authors refer to this variant as a polymorphism. This variant was found in 590/124728 control chromosomes (2 homozygotes) including ExAC at an allele frequency of 0.0047303, which does not exceed the estimated maximal expected allele frequency of a pathogenic CFTR variant (0.0129603). This population frequency supports benign outcome for phenotypes other than CF and CBAVD. Most publications spanning over a decade (1994-2009) report this variant as a polymorphism (Ravnik-Glavac 2001, Gallati 2009, Dork 1994, Tzetis 2001, Shackelton 1994). Multiple clinical laboratories/reputable database have classified this variant as likely benign/benign. Taken together, this variant is classified as 'Benign'.

Eurofins Ntd Llc (ga)
Classification: Benign. Last evaluated: 2015-12-21. Review status: criteria provided, single submitter. Criteria: EGL Classification Definitions 2015. Collection method: clinical testing. Allele origin: germline. Observed: 7 variant alleles, 7 heterozygotes.

Ambry Genetics
Classification: Likely benign for Cystic fibrosis. Last evaluated: 2015-01-13. Review status: criteria provided, single submitter. Criteria: Ambry Variant Classification Scheme 2023. Collection method: clinical testing. Allele origin: germline.

Laboratory for Molecular Medicine, Mass General Brigham Personalized Medicine
Classification: Benign. Last evaluated: 2013-02-21. Review status: criteria provided, single submitter. Criteria: LMM Criteria. Collection method: clinical testing. Allele origin: germline. Observed: 2 variant alleles.
Comment: Thr1095Thr in exon 20 of CFTR: This variant is not expected to have clinical sig nificance because it does not alter an amino acid residue and is not located wit hin the splice consensus sequence. It has been identified in 0.7% (57/8600) of E uropean American chromosomes from a broad population by the NHLBI Exome Sequenci ng Project (dbSNP rs1800118).

PreventionGenetics, part of Exact Sciences
Classification: Likely benign for CFTR-related condition. Last evaluated: 2023-03-01. Review status: no assertion criteria provided. Collection method: clinical testing. Allele origin: germline. Not counted in ClinVar's aggregate classification.
Comment: This variant is classified as likely benign based on ACMG/AMP sequence variant interpretation guidelines (Richards et al. 2015 PMID: 25741868, with internal and published modifications).

Genome Diagnostics Laboratory, The Hospital for Sick Children
Classification: Likely benign for CFTR-related disorders. Last evaluated: 2020-03-05. Review status: no assertion criteria provided. Collection method: clinical testing. Allele origin: germline. Not counted in ClinVar's aggregate classification.

Natera, Inc.
Classification: Likely benign for CFTR-related disorders. Last evaluated: 2017-03-28. Review status: no assertion criteria provided. Collection method: clinical testing. Allele origin: germline. Not counted in ClinVar's aggregate classification.

Clinical Genetics DNA and cytogenetics Diagnostics Lab, Erasmus MC, Erasmus Medical Center
Classification: Likely benign. Review status: no assertion criteria provided. Collection method: clinical testing. Allele origin: germline. Affected: yes. Study: VKGL Data-share Consensus. Not counted in ClinVar's aggregate classification.

Joint Genome Diagnostic Labs from Nijmegen and Maastricht, Radboudumc and MUMC+
Classification: Benign. Review status: no assertion criteria provided. Collection method: clinical testing. Allele origin: germline. Affected: yes. Study: VKGL Data-share Consensus. Not counted in ClinVar's aggregate classification.

Laboratory of Diagnostic Genome Analysis, Leiden University Medical Center (LUMC)
Classification: Likely benign. Review status: no assertion criteria provided. Collection method: clinical testing. Allele origin: germline. Affected: yes. Study: VKGL Data-share Consensus. Not counted in ClinVar's aggregate classification.

Literature cited by the submitters: PubMed 34086689 (cited by Mayo Clinic Laboratories, Mayo Clinic); PubMed 34888852 (cited by Mayo Clinic Laboratories, Mayo Clinic); PubMed 7525450 (cited by Quest Diagnostics Nichols Institute San Juan Capistrano and Women's Health and Genetics/Laboratory Corporation of America, LabCorp); PubMed 10746558 (cited by Quest Diagnostics Nichols Institute San Juan Capistrano and Women's Health and Genetics/Laboratory Corporation of America, LabCorp); PubMed 7515303 (cited by Quest Diagnostics Nichols Institute San Juan Capistrano and Women's Health and Genetics/Laboratory Corporation of America, LabCorp); PubMed 23378595 (cited by Quest Diagnostics Nichols Institute San Juan Capistrano and Women's Health and Genetics/Laboratory Corporation of America, LabCorp); PubMed 10601093 (cited by Quest Diagnostics Nichols Institute San Juan Capistrano and Women's Health and Genetics/Laboratory Corporation of America, LabCorp); PubMed 23503723 (cited by Women's Health and Genetics/Laboratory Corporation of America, LabCorp); PubMed 20021716 (cited by Women's Health and Genetics/Laboratory Corporation of America, LabCorp); PubMed 16251901 (cited by Women's Health and Genetics/Laboratory Corporation of America, LabCorp); PubMed 11354633 (cited by Women's Health and Genetics/Laboratory Corporation of America, LabCorp); PubMed 17890437 (cited by Women's Health and Genetics/Laboratory Corporation of America, LabCorp); PubMed 11788091 (cited by Women's Health and Genetics/Laboratory Corporation of America, LabCorp); PubMed 10980579 (cited by Women's Health and Genetics/Laboratory Corporation of America, LabCorp); PubMed 16128988 (cited by Women's Health and Genetics/Laboratory Corporation of America, LabCorp); PubMed 18687795 (cited by Women's Health and Genetics/Laboratory Corporation of America, LabCorp); PubMed 15536480 (cited by Women's Health and Genetics/Laboratory Corporation of America, LabCorp).